The following is an entry in ClinVar:

ClinVar aggregate classification (germline): Pathogenic (1 of 4 stars; one submission).

Conditions:
Spermatogenic failure 18. Identifiers: MedGen C4539783, MONDO:0054615, OMIM 617576.
Ciliary dyskinesia, primary, 37 (CILD37). Also called: CILIARY DYSKINESIA, PRIMARY, 37, WITH OR WITHOUT SITUS INVERSUS. Identifiers: MedGen C4539798, MONDO:0033204, OMIM 617577.

Submission:

Labcorp Genetics (formerly Invitae), Labcorp
Classification: Pathogenic for Ciliary dyskinesia, primary, 37; Spermatogenic failure 18. Last evaluated: 2025-03-24. Review status: criteria provided, single submitter. Criteria: Invitae Variant Classification Sherloc (09022015). Collection method: clinical testing. Allele origin: germline.
Comment: This sequence change creates a premature translational stop signal (p.Gln1522*) in the DNAH1 gene. It is expected to result in an absent or disrupted protein product. Loss-of-function variants in DNAH1 are known to be pathogenic (PMID: 27573432, 27798045). This variant is not present in population databases (gnomAD no frequency). This variant has not been reported in the literature in individuals affected with DNAH1-related conditions. For these reasons, this variant has been classified as Pathogenic.

Literature cited by the submitters: PubMed 27573432; PubMed 27798045.

NM_015512.5(DNAH1):c.4564C>T (p.Gln1522Ter)

Gene: DNAH1 (dynein axonemal heavy chain 1; plus strand). Cytogenetic location: 3p21.1.
Variant type: single nucleotide variant.
Coding change: c.4564C>T on transcript NM_015512.5 (MANE Select); coding-DNA position 4564, C replaced by T.
Protein change: p.Gln1522Ter; replaces glutamine 1522 with a stop codon.
Molecular consequence: nonsense.
Genome position (GRCh38, 1-based): chr3:52,360,072, C>T. VCF-style: chr3-52360072-C-T. GRCh37 (hg19) VCF-style: chr3-52394088-C-T.
Other names: short protein forms Q1522*.
Identifiers: ClinVar variation 4793776 (VCV004793776.1).